The following is an entry in ClinVar:

NM_001283009.2(RTEL1):c.3137G>A (p.Gly1046Glu)

Genes: RTEL1 (regulator of telomere elongation helicase 1; plus strand), RTEL1-TNFRSF6B (RTEL1-TNFRSF6B readthrough (NMD candidate); plus strand). Cytogenetic location: 20q13.33.
Variant type: single nucleotide variant.
Coding change: c.3137G>A on transcript NM_001283009.2 (MANE Select); coding-DNA position 3137, G replaced by A.
Protein change: p.Gly1046Glu; replaces glycine 1046 with glutamic acid.
Molecular consequence: missense variant. On other transcripts: non-coding transcript variant (1).
Genome position (GRCh38, 1-based): chr20:63,694,768, G>A. VCF-style: chr20-63694768-G-A. GRCh37 (hg19) VCF-style: chr20-62326121-G-A.
Other names: c.2468G>A, p.Gly823Glu (NM_001283010.1); c.3137G>A, p.Gly1046Glu (NM_016434.4); c.3209G>A, p.Gly1070Glu (NM_032957.5); short protein forms G1070E, G1046E, G823E.
Identifiers: ClinVar variation 651040 (VCV000651040.7), dbSNP rs772914279, ClinGen allele CA9965885.

ClinVar aggregate classification (germline): Uncertain significance. Review status: criteria provided, multiple submitters, no conflicts (2 of 4 stars). 3 submissions from 3 submitters: Uncertain significance (2). 1 of the submissions does not count toward it. Last evaluated 2025-11-26.

Conditions:
Dyskeratosis congenita, autosomal recessive 5 (DKCB5). Identifiers: MedGen C3554656, MONDO:0014076, OMIM 615190.
Pulmonary fibrosis and/or bone marrow failure, Telomere-related, 3. Also called: PULMONARY FIBROSIS AND/OR BONE MARROW FAILURE SYNDROME, TELOMERE-RELATED, 3. Identifiers: Orphanet 2032, MedGen C4225346, MONDO:0014613, OMIM 616373.
Dyskeratosis congenita. Identifiers: Orphanet 1775, MedGen C0265965, MONDO:0015780.
Inborn genetic diseases. Identifiers: MedGen C0950123, MeSH D030342.

Allele frequency attached by ClinVar (database versions not stated): ExAC 0.00002; gnomAD 0.00008 and 0.00009; TOPMed 0.00008.
gnomAD v4.1: 18 of 1,610,266 alleles (0.0011%); highest among the groups gnomAD compares: African/African-American, 0.017%; no homozygotes.

Submissions (3):

Labcorp Genetics (formerly Invitae), Labcorp
Classification: Uncertain significance for Dyskeratosis congenita, autosomal recessive 5; Pulmonary fibrosis and/or bone marrow failure, Telomere-related, 3. Last evaluated: 2025-11-26. Review status: criteria provided, single submitter. Criteria: Invitae Variant Classification Sherloc (09022015). Collection method: clinical testing. Allele origin: germline.
Comment: This sequence change replaces glycine, which is neutral and non-polar, with glutamic acid, which is acidic and polar, at codon 1046 of the RTEL1 protein (p.Gly1046Glu). This variant is present in population databases (rs772914279, gnomAD 0.02%). This variant has not been reported in the literature in individuals affected with RTEL1-related conditions. ClinVar contains an entry for this variant (Variation ID: 651040). An algorithm developed to predict the effect of missense changes on protein structure and function outputs the following: PolyPhen-2: "Benign". The glutamic acid amino acid residue is found in multiple mammalian species, which suggests that this missense change does not adversely affect protein function. In summary, the available evidence is currently insufficient to determine the role of this variant in disease. Therefore, it has been classified as a Variant of Uncertain Significance.

Ambry Genetics
Classification: Uncertain significance for Inborn genetic diseases. Last evaluated: 2024-07-27. Review status: criteria provided, single submitter. Criteria: Ambry Variant Classification Scheme 2023. Collection method: clinical testing. Allele origin: germline.

Natera, Inc.
Classification: Uncertain significance for Dyskeratosis congenita. Last evaluated: 2021-06-01. Review status: no assertion criteria provided. Collection method: clinical testing. Allele origin: germline. Not counted in ClinVar's aggregate classification.